The following is an entry in ClinVar:

ClinVar aggregate classification (germline): Likely pathogenic (1 of 4 stars; one submission).

Allele frequency attached by ClinVar (database versions not stated): gnomAD exomes below 0.00001; ExAC 0.00001.
gnomAD v4.1: 3 of 1,613,546 alleles (0.00019%); highest among the groups gnomAD compares: Admixed American, 0.0017%; no homozygotes.

Submission:

Labcorp Genetics (formerly Invitae), Labcorp
Classification: Likely pathogenic. Last evaluated: 2023-12-11. Review status: criteria provided, single submitter. Criteria: Invitae Variant Classification Sherloc (09022015). Collection method: clinical testing. Allele origin: germline.
Comment: This sequence change replaces glutamic acid, which is acidic and polar, with lysine, which is basic and polar, at codon 238 of the INSR protein (p.Glu238Lys). This variant is present in population databases (rs761203947, gnomAD 0.003%). This missense change has been observed in individuals with clinical features of autosomal recessive Rabson-Mendenhall syndrome (PMID: 22563226, 23824322; Invitae). ClinVar contains an entry for this variant (Variation ID: 2138199). Advanced modeling of protein sequence and biophysical properties (such as structural, functional, and spatial information, amino acid conservation, physicochemical variation, residue mobility, and thermodynamic stability) performed at Invitae indicates that this missense variant is not expected to disrupt INSR protein function with a negative predictive value of 80%. In summary, the currently available evidence indicates that the variant is pathogenic, but additional data are needed to prove that conclusively. Therefore, this variant has been classified as Likely Pathogenic.

Literature cited by the submitters: PubMed 22563226; PubMed 23824322.

NM_000208.4(INSR):c.712G>A (p.Glu238Lys)

Gene: INSR (insulin receptor; minus strand). Cytogenetic location: 19p13.2.
Variant type: single nucleotide variant.
Coding change: c.712G>A on transcript NM_000208.4 (MANE Select); coding-DNA position 712, G replaced by A.
Protein change: p.Glu238Lys; replaces glutamic acid 238 with lysine.
Molecular consequence: missense variant.
Genome position (GRCh38, 1-based): chr19:7,184,578, C>T on the plus strand (G>A on the coding strand, the complement: INSR is on the minus strand). VCF-style: chr19-7184578-C-T. GRCh37 (hg19) VCF-style: chr19-7184589-C-T.
Other names: c.712G>A, p.Glu238Lys (NM_001079817.3); short protein forms E238K.
Identifiers: ClinVar variation 2138199 (VCV002138199.4), dbSNP rs761203947, ClinGen allele CA9136027.
Genomic context (GRCh38, chr19:7,184,578, plus strand): 5'-AGTTGCGGCAGGCCACGCACTTGGTGGGGTCGTCGGGCTGAGAACAGTTGCCCAGGCACT[C>T]GCTGTGGCAACAGAGGCCTTCGGCGGTGCAGCCGTGTGACTTACAGATGGTCGGGCAAAC-3'
Protein context (NP_000199.2, residues 228-248): CTAEGLCCHS[Glu238Lys]CLGNCSQPDD